The following is an entry in ClinVar:

NM_000937.5(POLR2A):c.4974_4994del (p.1642SYSPTSP[14])

Gene: POLR2A (RNA polymerase II subunit A; plus strand). Cytogenetic location: 17p13.1.
Variant type: Deletion.
Coding change: c.4974_4994del on transcript NM_000937.5 (MANE Select); coding-DNA positions 4974 to 4994, 21 bases deleted (ACCCACCTCTCCCAGCTACTC).
Protein change: p.1642SYSPTSP[14].
Molecular consequence: inframe deletion.
Genome position (GRCh38, 1-based): chr17:7,513,238-7,513,258, ACCCACCTCTCCCAGCTACTC deleted; deleting any 21 consecutive bases within chr17:7,513,221-7,513,258 gives the same sequence; the c. name uses the placement nearest the transcript's 3' end. VCF-style (leftmost placement, unchanged base first): chr17-7513220-GACCTCTCCCAGCTACTCACCC-G. GRCh37 (hg19) VCF-style: chr17-7416539-GACCTCTCCCAGCTACTCACCC-G.
Identifiers: ClinVar variation 4980196 (VCV004980196.1).
Genomic context (GRCh38, chr17:7,513,220, plus strand): 5'-CAGTCCCAACTATAGTCCCACATCACCCAGCTATTCGCCAACGTCACCCAGCTACTCACC[GACCTCTCCCAGCTACTCACCC>G]ACCTCTCCCAGCTACTCGCCCACCTCTCCCAGCTACTCGCCCACCTCTCCCAGCTACTCA-3'

ClinVar aggregate classification (germline): Uncertain significance (1 of 4 stars; one submission).

Conditions:
POLR2A-related disorder. Also called: POLR2A-related condition.

Submission:

PreventionGenetics, part of Exact Sciences
Classification: Uncertain significance for POLR2A-related condition. Last evaluated: 2026-06-11. Review status: criteria provided, single submitter. Criteria: ACMG Guidelines, 2015. Collection method: clinical testing. Allele origin: germline.
Comment: The POLR2A c.4974_4994del21 variant is predicted to result in an in-frame deletion (p.Ser1740_Pro1746del). To our knowledge, this variant has not been reported in the literature. This variant is reported in 0.060% of alleles in individuals of European (Finnish) descent in gnomAD. At this time, the clinical significance of this variant is uncertain due to the absence of conclusive functional and genetic evidence.